The following is an entry in ClinVar:

ClinVar aggregate classification (germline): Uncertain significance. Review status: criteria provided, multiple submitters, no conflicts (2 of 4 stars). 2 submissions from 2 submitters: Uncertain significance (2). Last evaluated 2022-01-20.

Submissions (2):

Revvity Omics, Revvity
Classification: Uncertain significance. Last evaluated: 2022-01-20. Review status: criteria provided, single submitter. Criteria: ACMG Guidelines, 2015. Collection method: clinical testing. Allele origin: germline.

GeneDx
Classification: Uncertain significance. Last evaluated: 2017-03-18. Review status: criteria provided, single submitter. Criteria: GeneDx Variant Classification (06012015). Collection method: clinical testing. Allele origin: germline. Affected: yes.
Comment: A variant of uncertain significance has been identified in the POLG gene. The D34G variant has not been published as a pathogenic variant, nor has it been reported as a benign variant to our knowledge. The D34G variant is not observed in large population cohorts (Lek et al., 2016; 1000 Genomes Consortium et al., 2015; Exome Variant Server). The D34G variant is a non-conservative amino acid substitution, which is likely to impact secondary protein structure as these residues differ in polarity, charge, size and/or other properties. However, this substitution occurs at a position that is not conserved. In silico analysis predicts this variant likely does not alter the protein structure/function. Therefore, based on the currently available information, it is unclear whether this variant is a pathogenic variant or a rare benign variant.

NM_002693.3(POLG):c.101A>G (p.Asp34Gly)

Genes: POLG (DNA polymerase gamma, catalytic subunit; minus strand), POLGARF (POLG alternative reading frame; minus strand). Cytogenetic location: 15q26.1.
Variant type: single nucleotide variant.
Coding change: c.101A>G on transcript NM_002693.3 (MANE Select); coding-DNA position 101, A replaced by G.
Protein change: p.Asp34Gly; replaces aspartic acid 34 with glycine.
Molecular consequence: missense variant.
Genome position (GRCh38, 1-based): chr15:89,333,654, T>C on the plus strand (A>G on the coding strand, the complement: POLG is on the minus strand). VCF-style: chr15-89333654-T-C. GRCh37 (hg19) VCF-style: chr15-89876885-T-C.
Other names: c.101A>G, p.Asp34Gly (NM_001126131.2); short protein forms D34G.
Identifiers: ClinVar variation 424403 (VCV000424403.5), dbSNP rs779409525, ClinGen allele CA16620029.